The following is an entry in ClinVar:

NM_001370466.1(NOD2):c.1766C>T (p.Ala589Val)

Gene: NOD2 (nucleotide binding oligomerization domain containing 2; plus strand). Cytogenetic location: 16q12.1.
Variant type: single nucleotide variant.
Coding change: c.1766C>T on transcript NM_001370466.1 (MANE Select); coding-DNA position 1766, C replaced by T.
Protein change: p.Ala589Val; replaces alanine 589 with valine.
Molecular consequence: missense variant. On other transcripts: non-coding transcript variant (1).
Genome position (GRCh38, 1-based): chr16:50,711,758, C>T. VCF-style: chr16-50711758-C-T. GRCh37 (hg19) VCF-style: chr16-50745669-C-T.
Other names: c.1766C>T, p.Ala589Val (NM_001293557.2); c.1847C>T, p.Ala616Val (NM_022162.3); short protein forms A589V, A616V.
Identifiers: ClinVar variation 2938818 (VCV002938818.3), dbSNP rs771607438, ClinGen allele CA8051638.

ClinVar aggregate classification (germline): Uncertain significance (1 of 4 stars; one submission).

Conditions:
Blau syndrome (BLAUS). Also called: ARTHROCUTANEOUVEAL GRANULOMATOSIS; GRANULOMATOSIS, FAMILIAL JUVENILE SYSTEMIC; GRANULOMATOSIS, FAMILIAL, BLAU TYPE; GRANULOMATOUS INFLAMMATORY ARTHRITIS, DERMATITIS, AND UVEITIS, FAMILIAL; JABS SYNDROME. Identifiers: Orphanet 90340, MedGen C5201146, MONDO:0008523, OMIM 186580.
Regional enteritis. Also called: Enteritis, Granulomatous. Identifiers: MedGen C0678202, MeSH D003424.

Allele frequency attached by ClinVar (database versions not stated): ExAC 0.00001; gnomAD exomes 0.00001.
gnomAD v4.1: 4 of 1,614,114 alleles (0.00025%); highest among the groups gnomAD compares: African/African-American, 0.0013%; no homozygotes.

Submission:

Labcorp Genetics (formerly Invitae), Labcorp
Classification: Uncertain significance for Regional enteritis; Blau syndrome. Last evaluated: 2023-12-15. Review status: criteria provided, single submitter. Criteria: Invitae Variant Classification Sherloc (09022015). Collection method: clinical testing. Allele origin: germline.
Comment: This sequence change replaces alanine, which is neutral and non-polar, with valine, which is neutral and non-polar, at codon 616 of the NOD2 protein (p.Ala616Val). This variant is present in population databases (rs771607438, gnomAD 0.0009%). This variant has not been reported in the literature in individuals affected with NOD2-related conditions. Advanced modeling of protein sequence and biophysical properties (such as structural, functional, and spatial information, amino acid conservation, physicochemical variation, residue mobility, and thermodynamic stability) performed at Invitae indicates that this missense variant is not expected to disrupt NOD2 protein function with a negative predictive value of 95%. In summary, the available evidence is currently insufficient to determine the role of this variant in disease. Therefore, it has been classified as a Variant of Uncertain Significance.